The following is an entry in ClinVar:

NM_015629.4(PRPF31):c.1074-1G>A

Gene: PRPF31 (pre-mRNA processing factor 31; plus strand). Cytogenetic location: 19q13.42.
Variant type: single nucleotide variant.
Coding change: c.1074-1G>A on transcript NM_015629.4 (MANE Select); the canonical splice acceptor site of the intron before coding-DNA position 1074, G replaced by A.
Molecular consequence: splice acceptor variant.
Genome position (GRCh38, 1-based): chr19:54,128,304, G>A. VCF-style: chr19-54128304-G-A. GRCh37 (hg19) VCF-style: chr19-54631679-G-A.
Identifiers: ClinVar variation 2100223 (VCV002100223.4), dbSNP rs1343138103, ClinGen allele CA407753576.
Genomic context (GRCh38, chr19:54,128,304, plus strand): 5'-GGAGAAGCCGGCGTCCTCCTCCCAGCCGACTCCCTGGCGCCGCCCACCCACCCGTCCCCA[G>A]GTACCGCAAGATGAAGGAGCGGCTGGGGCTGACGGAGATCCGGAAGCAGGCCAACCGTAT-3'

ClinVar aggregate classification (germline): Pathogenic (1 of 4 stars; one submission).

Submission:

Labcorp Genetics (formerly Invitae), Labcorp
Classification: Pathogenic. Last evaluated: 2022-02-20. Review status: criteria provided, single submitter. Criteria: Invitae Variant Classification Sherloc (09022015). Collection method: clinical testing. Allele origin: germline.
Comment: Algorithms developed to predict the effect of sequence changes on RNA splicing suggest that this variant may disrupt the consensus splice site. For these reasons, this variant has been classified as Pathogenic. Disruption of this splice site has been observed in individual(s) with autosomal dominant retinitis pigmentosa (RP) (PMID: 24202059, 28192796). It has also been observed to segregate with disease in related individuals. This variant is not present in population databases (gnomAD no frequency). This sequence change affects an acceptor splice site in intron 10 of the PRPF31 gene. It is expected to disrupt RNA splicing. Variants that disrupt the donor or acceptor splice site typically lead to a loss of protein function (PMID: 16199547), and loss-of-function variants in PRPF31 are known to be pathogenic (PMID: 18317597, 23950152).

Literature cited by the submitters: PubMed 24202059; PubMed 28192796; PubMed 16199547; PubMed 18317597; PubMed 23950152.